The following is an entry in ClinVar:

ClinVar aggregate classification (germline): Conflicting classifications of pathogenicity. Review status: criteria provided, conflicting classifications (1 of 4 stars). 8 submissions from 8 submitters: Uncertain significance (1); Benign (4); Likely benign (3). Last evaluated 2026-09-01.

Conditions:
Cerebral arteriopathy, autosomal dominant, with subcortical infarcts and leukoencephalopathy, type 1 (CADASIL1). Also called: CASIL; Cerebral arteriopathy with subcortical infarcts and leukoencephalopathy 1; CADASIL 1; DEMENTIA, HEREDITARY MULTIINFARCT TYPE. Identifiers: Orphanet 136, MedGen C4551768, MONDO:0000914, OMIM 125310.

Allele frequency attached by ClinVar (database versions not stated): 1000 Genomes Project 0.00120; 1000 Genomes Project 30x 0.00141; ExAC 0.00399; gnomAD 0.00411 and 0.00433; gnomAD exomes 0.00425; TOPMed 0.00437; ESP Exome Variant Server 0.00546.
gnomAD v4.1: 9,177 of 1,614,210 alleles (0.57%); highest among the groups gnomAD compares: Non-Finnish European, 0.67%; 37 homozygotes.

Submissions (9):

CeGaT Center for Human Genetics Tuebingen
Classification: Likely benign. Last evaluated: 2026-09-01. Review status: criteria provided, single submitter. Criteria: CeGaT Center For Human Genetics Tuebingen Variant Classification Criteria Version 2. Collection method: clinical testing. Allele origin: germline. Affected: yes. Observed: 31 variant alleles.
Comment: NOTCH3: BP4, BS2

Labcorp Genetics (formerly Invitae), Labcorp
Classification: Benign. Last evaluated: 2026-01-15. Review status: criteria provided, single submitter. Criteria: Invitae Variant Classification Sherloc (09022015). Collection method: clinical testing. Allele origin: germline.

ARUP Laboratories, Molecular Genetics and Genomics, ARUP Laboratories
Classification: Benign. Last evaluated: 2025-04-10. Review status: criteria provided, single submitter. Criteria: ARUP Molecular Germline Variant Investigation Process 2024. Collection method: clinical testing. Allele origin: germline.

Blueprint Genetics
Classification: Likely benign. Last evaluated: 2024-11-26. Review status: criteria provided, single submitter. Criteria: ACMG Guidelines, 2015. Collection method: clinical testing. Allele origin: germline.

Mayo Clinic Laboratories, Mayo Clinic
Classification: Benign. Last evaluated: 2023-08-17. Review status: criteria provided, single submitter. Criteria: ACMG Guidelines, 2015. Collection method: clinical testing. Allele origin: germline. Observed: 25 variant alleles.
Comment: BS1, BP4_strong

Baylor Genetics
Classification: Uncertain significance for Cerebral arteriopathy, autosomal dominant, with subcortical infarcts and leukoencephalopathy, type 1. Last evaluated: 2018-11-02. Review status: criteria provided, single submitter. Criteria: ACMG Guidelines, 2015. Collection method: clinical testing. Allele origin: paternal. Affected: yes.
Comment: This variant was determined to be of uncertain significance according to ACMG Guidelines, 2015 [PMID:25741868].

Illumina Laboratory Services, Illumina
Classification: Benign for Cerebral arteriopathy, autosomal dominant, with subcortical infarcts and leukoencephalopathy, type 1. Last evaluated: 2018-01-13. Review status: criteria provided, single submitter. Criteria: ICSL Variant Classification Criteria 13 December 2019. Collection method: clinical testing. Allele origin: germline.
Comment: This variant was observed in the ICSL laboratory as part of a predisposition screen in an ostensibly healthy population. It had not been previously curated by ICSL or reported in the Human Gene Mutation Database (HGMD: prior to June 1st, 2018), and was therefore a candidate for classification through an automated scoring system. Utilizing variant allele frequency, disease prevalence and penetrance estimates, and inheritance mode, an automated score was calculated to assess if this variant is too frequent to cause the disease. Based on the score and internal cut-off values, a variant classified as benign is not then subjected to further curation. The score for this variant resulted in a classification of benign for this disease.

Center for Pediatric Genomic Medicine, Children's Mercy Hospital and Clinics
Classification: Likely benign. Last evaluated: 2017-05-02. Review status: criteria provided, single submitter. Criteria: ACMG Guidelines, 2015. Collection method: clinical testing. Allele origin: germline.

Dr. Peter K. Rogan Lab, Western University
No classification provided (evidence only). Condition: Colon adenocarcinoma. Review status: no classification provided. Collection method: in vitro. Allele origin: not applicable. Functional consequence: retained intron. Not counted in ClinVar's aggregate classification.

NM_000435.3(NOTCH3):c.3704A>T (p.His1235Leu)

Gene: NOTCH3 (notch receptor 3; minus strand). Cytogenetic location: 19p13.12.
Variant type: single nucleotide variant.
Coding change: c.3704A>T on transcript NM_000435.3 (MANE Select); coding-DNA position 3704, A replaced by T.
Protein change: p.His1235Leu; replaces histidine 1235 with leucine.
Molecular consequence: missense variant.
Genome position (GRCh38, 1-based): chr19:15,179,039, T>A on the plus strand (A>T on the coding strand, the complement: NOTCH3 is on the minus strand). VCF-style: chr19-15179039-T-A. GRCh37 (hg19) VCF-style: chr19-15289850-T-A.
Other names: p.His1235Leu; short protein forms H1235L.
Identifiers: ClinVar variation 328393 (VCV000328393.57), dbSNP rs55882518, ClinGen allele CA9263017.